The following is an entry in ClinVar:

NM_001122955.4(BSCL2):c.88-613G>A

Genes: BSCL2 (BSCL2 lipid droplet biogenesis associated, seipin; minus strand), HNRNPUL2-BSCL2 (HNRNPUL2-BSCL2 readthrough (NMD candidate); minus strand). Cytogenetic location: 11q12.3.
Variant type: single nucleotide variant.
Coding change: c.88-613G>A on transcript NM_001122955.4 (MANE Select); 613 bases into the intron before coding-DNA position 88, G replaced by A.
Molecular consequence: intron variant. On other transcripts: 5 prime UTR variant (2).
Genome position (GRCh38, 1-based): chr11:62,706,230, C>T on the plus strand (G>A on the coding strand, the complement: BSCL2 is on the minus strand). VCF-style: chr11-62706230-C-T. GRCh37 (hg19) VCF-style: chr11-62473702-C-T.
Other names: c.-133G>A (NM_001130702.2, NM_032667.6); c.88-613G>A (NM_001386028.1, NM_001386027.1).
Identifiers: ClinVar variation 305186 (VCV000305186.7), dbSNP rs112877243, ClinGen allele CA10639509.

ClinVar aggregate classification (germline): Benign/Likely benign. Review status: criteria provided, multiple submitters, no conflicts (2 of 4 stars). 3 submissions from 2 submitters: Benign (2); Likely benign (1). Last evaluated 2022-02-26.

Conditions:
Neuronopathy, distal hereditary motor, type 5A (HMND5). Also called: Distal Spinal Muscular Atrophy V; DHMN VA; Distal Spinal Muscular Atrophy V (dSMA-V); NEURONOPATHY, DISTAL HEREDITARY MOTOR, AUTOSOMAL DOMINANT 5. Identifiers: Orphanet 139536, MedGen CN031873, MONDO:0015353, OMIM 600794.
Congenital generalized lipodystrophy type 2 (CGL2). Also called: BERARDINELLI SYNDROME; BRUNZELL SYNDROME, BSCL2-RELATED; SEIP SYNDROME; Berardinelli-Seip Congenital Lipodystrophy Type 2. Identifiers: Orphanet 528, Orphanet 696289, MedGen C1720863, MONDO:0010020, OMIM 269700.

Allele frequency attached by ClinVar (database versions not stated): TOPMed 0.01274; 1000 Genomes Project 0.01378; 1000 Genomes Project 30x 0.01437.
gnomAD v4.1: 2,514 of 1,076,894 alleles (0.23%); highest among the groups gnomAD compares: African/African-American, 4%; 50 homozygotes.

Submissions (3):

GeneDx
Classification: Likely benign. Last evaluated: 2022-02-26. Review status: criteria provided, single submitter. Criteria: GeneDx Variant Classification Process June 2021. Collection method: clinical testing. Allele origin: germline. Affected: yes.
Comment: See Variant Classification Assertion Criteria.

Illumina Laboratory Services, Illumina
Classification: Benign for Congenital generalized lipodystrophy type 2. Last evaluated: 2018-01-12. Review status: criteria provided, single submitter. Criteria: ICSL Variant Classification Criteria 13 December 2019. Collection method: clinical testing. Allele origin: germline.
Comment: This variant was observed in the ICSL laboratory as part of a predisposition screen in an ostensibly healthy population. It had not been previously curated by ICSL or reported in the Human Gene Mutation Database (HGMD: prior to June 1st, 2018), and was therefore a candidate for classification through an automated scoring system. Utilizing variant allele frequency, disease prevalence and penetrance estimates, and inheritance mode, an automated score was calculated to assess if this variant is too frequent to cause the disease. Based on the score and internal cut-off values, a variant classified as benign is not then subjected to further curation. The score for this variant resulted in a classification of benign for this disease.

Illumina Laboratory Services, Illumina
Classification: Benign for Neuronopathy, distal hereditary motor, type 5A. Last evaluated: 2018-01-12. Review status: criteria provided, single submitter. Criteria: ICSL Variant Classification Criteria 13 December 2019. Collection method: clinical testing. Allele origin: germline.
Comment: the same text as in the submission from Illumina Laboratory Services, Illumina above.